The following is an entry in ClinVar:

ClinVar aggregate classification (germline): Conflicting classifications of pathogenicity. Review status: criteria provided, conflicting classifications (1 of 4 stars). 8 submissions from 8 submitters: Uncertain significance (4); Likely benign (3). 1 of the submissions does not count toward it. Last evaluated 2026-01-26.

Conditions:
Hereditary cancer. Identifiers: MedGen C1333600.
Spermatogenic failure 28. Identifiers: MedGen C4748117, MONDO:0054732, OMIM 618086.
Premature ovarian failure 15. Identifiers: MedGen C4748170, MONDO:0054862, OMIM 618096.
Fanconi anemia (FA). Also called: Fanconi's anemia. Identifiers: Orphanet 84, MedGen C0015625, MeSH D005199, MONDO:0019391.

Allele frequency attached by ClinVar (database versions not stated): ESP Exome Variant Server 0.00015; ExAC 0.00017; gnomAD exomes 0.00023 and 0.00033; gnomAD 0.00025 and 0.00027; TOPMed 0.00027.
gnomAD v4.1: 513 of 1,608,636 alleles (0.032%); highest among the groups gnomAD compares: Middle Eastern, 0.05%; no homozygotes.

Submissions (8):

Labcorp Genetics (formerly Invitae), Labcorp
Classification: Uncertain significance for Fanconi anemia. Last evaluated: 2026-01-26. Review status: criteria provided, single submitter. Criteria: Invitae Variant Classification Sherloc (09022015). Collection method: clinical testing. Allele origin: germline.
Comment: This sequence change replaces arginine, which is basic and polar, with cysteine, which is neutral and slightly polar, at codon 1456 of the FANCM protein (p.Arg1456Cys). This variant is present in population databases (rs200360968, gnomAD 0.05%). This missense change has been observed in individual(s) with pancytopenia and hypocellular marrow (PMID: 38103590). ClinVar contains an entry for this variant (Variation ID: 313218). An algorithm developed to predict the effect of missense changes on protein structure and function outputs the following: PolyPhen-2: "Benign". The cysteine amino acid residue is found in multiple mammalian species, which suggests that this missense change does not adversely affect protein function. In summary, the available evidence is currently insufficient to determine the role of this variant in disease. Therefore, it has been classified as a Variant of Uncertain Significance.

GeneDx
Classification: Uncertain significance. Last evaluated: 2025-09-07. Review status: criteria provided, single submitter. Criteria: GeneDx Variant Classification Process June 2021. Collection method: clinical testing. Allele origin: germline. Affected: yes.
Comment: Observed in an individual with familial pulmonary fibrosis and shortened telomeres who also harbored variants in RTEL1 and RAD51C (PMID: 30995915); Observed in individuals with ovarian or other cancers and in unaffected controls (PMID: 27713038, 28881617); In silico analysis supports that this missense variant has a deleterious effect on protein structure/function; This variant is associated with the following publications: (PMID: 27713038, 29641532, 27525107, 28881617, 30995915, 35982159, 38103590)

Mendelics
Classification: Likely benign for Hereditary cancer. Last evaluated: 2024-09-11. Review status: criteria provided, single submitter. Criteria: ACMG Guidelines, 2015. Collection method: clinical testing. Allele origin: unknown.
Comment: This variant is considered likely benign or benign based on one or more of the following: it is predicted to be benign by multiple in silico algorithms, and/or has population frequency not consistent with disease, and/or has normal protein function, and/or has lack of segregation with disease, and/or has been detected in co-occurrence with known pathogenic variant, and/or has lack of disease association in case-control studies, and/or is located in a region inconsistent with a known cause of pathogenicity.

CeGaT Center for Human Genetics Tuebingen
Classification: Likely benign. Last evaluated: 2023-12-01. Review status: criteria provided, single submitter. Criteria: CeGaT Center For Human Genetics Tuebingen Variant Classification Criteria Version 2. Collection method: clinical testing. Allele origin: germline. Affected: yes. Observed: 2 variant alleles.
Comment: FANCM: BP4

Quest Diagnostics Nichols Institute San Juan Capistrano
Classification: Likely benign. Last evaluated: 2023-05-17. Review status: criteria provided, single submitter. Criteria: Quest Diagnostics criteria. Collection method: clinical testing. Allele origin: unknown.

Fulgent Genetics
Classification: Uncertain significance for Spermatogenic failure 28; Premature ovarian failure 15. Last evaluated: 2022-04-22. Review status: criteria provided, single submitter. Criteria: ACMG Guidelines, 2015. Collection method: clinical testing. Allele origin: unknown.

Institute for Clinical Genetics, University Hospital TU Dresden, University Hospital TU Dresden
Classification: Uncertain significance. Last evaluated: 2021-11-03. Review status: criteria provided, single submitter. Criteria: ACMG Guidelines, 2015. Collection method: clinical testing. Allele origin: germline.

Department of Pathology and Laboratory Medicine, Sinai Health System
Classification: Uncertain significance. Review status: no assertion criteria provided. Collection method: clinical testing. Allele origin: unknown. Affected: yes. Study: The Canadian Open Genetics Repository (COGR). Not counted in ClinVar's aggregate classification.
Comment: The FANCM p.Arg1430Cys variant was not identified in the literature nor was it identified in Cosmic. The variant was identified in dbSNP (ID: rs200360968), ClinVar (classified as a VUS by Illumina, Invitae and Fulgent Genetics) and LOVD 3.0. The variant was also identified in control databases in 69 of 275248 chromosomes at a frequency of 0.000251 (Genome Aggregation Database Feb 27, 2017). The variant was observed in the following populations: European (Non-Finnish) in 62 of 125766 chromosomes (freq: 0.000493), Other in 2 of 6406 chromosomes (freq: 0.000312), South Asian in 3 of 30664 chromosomes (freq: 0.000098) and Latino in 2 of 34284 chromosomes (freq: 0.000058), while the variant was not observed in the African, Ashkenazi Jewish, East Asian, and European (Finnish) populations. The p.Arg1430 residue is not conserved in mammals and computational analyses (PolyPhen-2, SIFT, AlignGVGD, BLOSUM, MutationTaster) provide inconsistent predictions regarding the impact to the protein; this information is not very predictive of pathogenicity. The variant occurs outside of the splicing consensus sequence and in silico or computational prediction software programs (SpliceSiteFinder, MaxEntScan, NNSPLICE, GeneSplicer) do not predict a difference in splicing. In summary, based on the above information the clinical significance of this variant cannot be determined with certainty at this time. This variant is classified as a variant of uncertain significance.

Literature cited by the submitters: PubMed 38103590 (cited by Labcorp Genetics (formerly Invitae), Labcorp); PubMed 30995915 (cited by Quest Diagnostics Nichols Institute San Juan Capistrano).

NM_020937.4(FANCM):c.4366C>T (p.Arg1456Cys)

Gene: FANCM (FA complementation group M; plus strand). Cytogenetic location: 14q21.2.
Variant type: single nucleotide variant.
Coding change: c.4366C>T on transcript NM_020937.4 (MANE Select); coding-DNA position 4366, C replaced by T.
Protein change: p.Arg1456Cys; replaces arginine 1456 with cysteine.
Molecular consequence: missense variant.
Genome position (GRCh38, 1-based): chr14:45,181,685, C>T. VCF-style: chr14-45181685-C-T. GRCh37 (hg19) VCF-style: chr14-45650888-C-T.
Other names: c.4366C>T (LRG_502t1, NM_020937.3); c.4288C>T, p.Arg1430Cys (NM_001308133.2); short protein forms R1456C, R1430C.
Identifiers: ClinVar variation 313218 (VCV000313218.44), dbSNP rs200360968, ClinGen allele CA7169707.